The following is an entry in ClinVar:

ClinVar aggregate classification (germline): Uncertain significance (1 of 4 stars; one submission).

Allele frequency attached by ClinVar (database versions not stated): gnomAD exomes 0.00002 and 0.00003; TOPMed 0.00003; gnomAD 0.00004; ExAC 0.00005.
gnomAD v4.1: 36 of 1,606,304 alleles (0.0022%); highest among the groups gnomAD compares: Non-Finnish European, 0.0028%; no homozygotes.

Submission:

Labcorp Genetics (formerly Invitae), Labcorp
Classification: Uncertain significance. Last evaluated: 2022-06-10. Review status: criteria provided, single submitter. Criteria: Invitae Variant Classification Sherloc (09022015). Collection method: clinical testing. Allele origin: germline.
Comment: This sequence change replaces isoleucine, which is neutral and non-polar, with valine, which is neutral and non-polar, at codon 239 of the TBCK protein (p.Ile239Val). This variant is present in population databases (rs765809259, gnomAD 0.01%). This variant has not been reported in the literature in individuals affected with TBCK-related conditions. Algorithms developed to predict the effect of missense changes on protein structure and function output the following: SIFT: "Tolerated"; PolyPhen-2: "Benign"; Align-GVGD: "Class C0". The valine amino acid residue is found in multiple mammalian species, which suggests that this missense change does not adversely affect protein function. In summary, the available evidence is currently insufficient to determine the role of this variant in disease. Therefore, it has been classified as a Variant of Uncertain Significance.

NM_001163435.3(TBCK):c.715A>G (p.Ile239Val)

Gene: TBCK (TBC1 domain containing kinase; minus strand). Cytogenetic location: 4q24.
Variant type: single nucleotide variant.
Coding change: c.715A>G on transcript NM_001163435.3 (MANE Select); coding-DNA position 715, A replaced by G.
Protein change: p.Ile239Val; replaces isoleucine 239 with valine.
Molecular consequence: missense variant.
Genome position (GRCh38, 1-based): chr4:106,248,926, T>C on the plus strand (A>G on the coding strand, the complement: TBCK is on the minus strand). VCF-style: chr4-106248926-T-C. GRCh37 (hg19) VCF-style: chr4-107170083-T-C.
Other names: c.715A>G, p.Ile239Val (NM_001163436.4); c.598A>G, p.Ile200Val (NM_001163437.3); c.199A>G, p.Ile67Val (NM_001290768.2); c.526A>G, p.Ile176Val (NM_033115.5); short protein forms I239V, I67V, I176V, I200V.
Identifiers: ClinVar variation 1442670 (VCV001442670.3), dbSNP rs765809259, ClinGen allele CA3035335.